The following is an entry in ClinVar:

NM_199420.4(POLQ):c.1274G>C (p.Arg425Thr)

Gene: POLQ (DNA polymerase theta; minus strand). Cytogenetic location: 3q13.33.
Variant type: single nucleotide variant.
Coding change: c.1274G>C on transcript NM_199420.4 (MANE Select); coding-DNA position 1274, G replaced by C.
Protein change: p.Arg425Thr; replaces arginine 425 with threonine.
Molecular consequence: missense variant.
Genome position (GRCh38, 1-based): chr3:121,520,065, C>G on the plus strand (G>C on the coding strand, the complement: POLQ is on the minus strand). VCF-style: chr3-121520065-C-G. GRCh37 (hg19) VCF-style: chr3-121238912-C-G.
Other names: short protein forms R425T.
Identifiers: ClinVar variation 1766250 (VCV001766250.3), dbSNP rs1451587342, ClinGen allele CA354119979.

ClinVar aggregate classification (germline): Uncertain significance (1 of 4 stars; one submission).

gnomAD v4.1: 1 of 1,611,152 alleles (0.000062%); highest among the groups gnomAD compares: Non-Finnish European, 0.000085%; no homozygotes.

Submission:

Ambry Genetics
Classification: Uncertain significance. Last evaluated: 2023-08-30. Review status: criteria provided, single submitter. Criteria: Ambry Variant Classification Scheme 2023. Collection method: clinical testing. Allele origin: germline.
Comment: The p.R425T variant (also known as c.1274G>C), located in coding exon 9 of the POLQ gene, results from a G to C substitution at nucleotide position 1274. The arginine at codon 425 is replaced by threonine, an amino acid with similar properties. This amino acid position is conserved. In addition, this alteration is predicted to be deleterious by in silico analysis. Since supporting evidence is limited at this time, the clinical significance of this alteration remains unclear.